The following is an entry in ClinVar:

NM_182760.4(SUMF1):c.218_219insTAAGAGACAGT (p.Glu73fs)

Genes: SUMF1 (sulfatase modifying factor 1; minus strand), LOC129936056 (ATAC-STARR-seq lymphoblastoid silent region 14016; plus strand). Cytogenetic location: 3p26.1.
Variant type: Insertion.
Coding change: c.218_219insTAAGAGACAGT on transcript NM_182760.4 (MANE Select); coding-DNA positions 218 to 219, TAAGAGACAGT inserted.
Protein change: p.Glu73fs; shifts the reading frame from glutamic acid 73.
Molecular consequence: frameshift variant.
Genome position: GRCh38 VCF-style: chr3-4467027-C-CACTGTCTCTTA. GRCh37 (hg19) VCF-style: chr3-4508711-C-CACTGTCTCTTA.
Other names: c.218_219insTAAGAGACAGT, p.Glu73fs (NM_001164674.2, NM_001164675.2); short protein forms E73fs.
Identifiers: ClinVar variation 5010977 (VCV005010977.1).

ClinVar aggregate classification (germline): Pathogenic (1 of 4 stars; one submission).

Conditions:
Multiple sulfatase deficiency (MSD). Also called: Mucosulfatidosis; Multiple Sulfatase Deficiency Disease; Sulfatidosis, Juvenile, Austin Type. Identifiers: Orphanet 585, MedGen C0268263, MONDO:0010088, OMIM 272200.

Submission:

Myriad Genetics, Inc.
Classification: Pathogenic for Multiple sulfatase deficiency. Last evaluated: 2024-05-14. Review status: criteria provided, single submitter. Criteria: Myriad Autosomal Dominant, Autosomal Recessive and X-Linked Classification Criteria (2023). Collection method: clinical testing. Allele origin: unknown.
Comment: NM_182760.3(SUMF1):c.218_219ins11(E73Dfs*40) is expected to be pathogenic in the context of multiple sulfatase deficiency. This variant is predicted to lead to an abnormal or absent protein product due to the creation of a premature termination codon in SUMF1, a gene where loss-of-function variants are known to be pathogenic. Please note: this variant was assessed in the context of healthy population screening.